The following is an entry in ClinVar:

ClinVar aggregate classification (germline): Uncertain significance (1 of 4 stars; one submission).

Submission:

Labcorp Genetics (formerly Invitae), Labcorp
Classification: Uncertain significance. Last evaluated: 2023-02-20. Review status: criteria provided, single submitter. Criteria: Invitae Variant Classification Sherloc (09022015). Collection method: clinical testing. Allele origin: germline.
Comment: In summary, the available evidence is currently insufficient to determine the role of this variant in disease. Therefore, it has been classified as a Variant of Uncertain Significance. Algorithms developed to predict the effect of sequence changes on RNA splicing suggest that this variant may disrupt the consensus splice site. Algorithms developed to predict the effect of missense changes on protein structure and function output the following: SIFT: "Not Available"; PolyPhen-2: "Benign"; Align-GVGD: "Not Available". The asparagine amino acid residue is found in multiple mammalian species, which suggests that this missense change does not adversely affect protein function. This variant has not been reported in the literature in individuals affected with MSH3-related conditions. This variant is not present in population databases (gnomAD no frequency). This sequence change replaces lysine, which is basic and polar, with asparagine, which is neutral and polar, at codon 704 of the MSH3 protein (p.Lys704Asn).

NM_002439.5(MSH3):c.2112A>T (p.Lys704Asn)

Gene: MSH3 (mutS homolog 3; plus strand). Cytogenetic location: 5q14.1.
Variant type: single nucleotide variant.
Coding change: c.2112A>T on transcript NM_002439.5 (MANE Select); coding-DNA position 2112, A replaced by T.
Protein change: p.Lys704Asn; replaces lysine 704 with asparagine.
Molecular consequence: missense variant.
Genome position (GRCh38, 1-based): chr5:80,768,862, A>T. VCF-style: chr5-80768862-A-T. GRCh37 (hg19) VCF-style: chr5-80064681-A-T.
Other names: short protein forms K704N.
Identifiers: ClinVar variation 3004758 (VCV003004758.3), dbSNP rs1299284264, ClinGen allele CA360279260.